The following is an entry in ClinVar:

NM_012308.3(KDM2A):c.2404dup (p.Thr802fs)

Gene: KDM2A (lysine demethylase 2A; plus strand). Cytogenetic location: 11q13.2.
Variant type: Duplication.
Coding change: c.2404dup on transcript NM_012308.3 (MANE Select); coding-DNA position 2404, one base duplicated (A; older notation c.2404dupA).
Protein change: p.Thr802fs; shifts the reading frame from threonine 802.
Molecular consequence: frameshift variant.
Genome position (GRCh38, 1-based): chr11:67,250,434, A duplicated. VCF-style (leftmost placement, unchanged base first): chr11-67250433-C-CA. GRCh37 (hg19) VCF-style: chr11-67017904-C-CA.
Other names: c.1087dup, p.Thr363fs (NM_001256405.2); short protein forms T363fs, T802fs.
Identifiers: ClinVar variation 3778801 (VCV003778801.1).

ClinVar aggregate classification (germline): Likely pathogenic (1 of 4 stars; one submission).

Conditions:
KDM2A-related neurodevelopmental disorder.

Submission:

Institute of Human Genetics, University of Leipzig Medical Center
Classification: Likely pathogenic for KDM2A-related neurodevelopmental disorder. Last evaluated: 2025-01-20. Review status: criteria provided, single submitter. Criteria: ACMG Guidelines, 2015. Collection method: research. Allele origin: germline. Inheritance: Autosomal dominant inheritance. Affected: yes.
Comment: Criteria applied: PVS1, PM2

Literature cited by the submitters: DOI 10.1101/2025.03.31.25324695.